The following is an entry in ClinVar:

ClinVar aggregate classification (germline): Uncertain significance (1 of 4 stars; one submission).

Conditions:
Combined immunodeficiency due to LRBA deficiency. Also called: Common variable immunodeficiency 8, with autoimmunity. Identifiers: Orphanet 445018, MedGen C3553512, MONDO:0013863, OMIM 614700.

Allele frequency attached by ClinVar (database versions not stated): ExAC 0.00001; gnomAD 0.00001; gnomAD exomes 0.00001.
gnomAD v4.1: 9 of 1,600,258 alleles (0.00056%); highest among the groups gnomAD compares: South Asian, 0.01%; no homozygotes.

Submission:

Labcorp Genetics (formerly Invitae), Labcorp
Classification: Uncertain significance for Combined immunodeficiency due to LRBA deficiency. Last evaluated: 2022-04-18. Review status: criteria provided, single submitter. Criteria: Invitae Variant Classification Sherloc (09022015). Collection method: clinical testing. Allele origin: germline.
Comment: In summary, the available evidence is currently insufficient to determine the role of this variant in disease. Therefore, it has been classified as a Variant of Uncertain Significance. Algorithms developed to predict the effect of missense changes on protein structure and function are either unavailable or do not agree on the potential impact of this missense change (SIFT: "Tolerated"; PolyPhen-2: "Probably Damaging"; Align-GVGD: "Class C0"). This variant has not been reported in the literature in individuals affected with LRBA-related conditions. This variant is present in population databases (rs762007810, gnomAD 0.004%). This sequence change replaces threonine, which is neutral and polar, with lysine, which is basic and polar, at codon 460 of the LRBA protein (p.Thr460Lys).

NM_001364905.1(LRBA):c.1379C>A (p.Thr460Lys)

Gene: LRBA (LPS responsive beige-like anchor protein; minus strand). Cytogenetic location: 4q31.3.
Variant type: single nucleotide variant.
Coding change: c.1379C>A on transcript NM_001364905.1 (MANE Select); coding-DNA position 1379, C replaced by A.
Protein change: p.Thr460Lys; replaces threonine 460 with lysine.
Molecular consequence: missense variant.
Genome position (GRCh38, 1-based): chr4:150,908,448, G>T on the plus strand (C>A on the coding strand, the complement: LRBA is on the minus strand). VCF-style: chr4-150908448-G-T. GRCh37 (hg19) VCF-style: chr4-151829600-G-T.
Other names: c.1379C>A, p.Thr460Lys (NM_001199282.3, NM_001367550.1, NM_006726.5); short protein forms T460K.
Identifiers: ClinVar variation 2127470 (VCV002127470.4), dbSNP rs762007810, ClinGen allele CA3103591.